The following is an entry in ClinVar:

ClinVar aggregate classification (germline): Likely pathogenic (1 of 4 stars; one submission).

Conditions:
Congenital myotonia, autosomal recessive form. Also called: BECKER DISEASE; Becker Generalized Myotonia; myotonia congenita, autosomal recessive. Identifiers: Orphanet 614, MedGen C0751360, MONDO:0009715, OMIM 255700.

Submission:

Neuberg Centre For Genomic Medicine, NCGM
Classification: Likely pathogenic for Congenital myotonia, autosomal recessive form. Review status: criteria provided, single submitter. Criteria: ACMG Guidelines, 2015. Collection method: clinical testing. Allele origin: germline. Inheritance: Autosomal recessive inheritance. Affected: yes.
Comment: Loss of function is a known mechanism of disease in this gene. For these reasons, the variant has been classified as Likely Pathogenic

NM_000083.3(CLCN1):c.2414G>A (p.Trp805Ter)

Gene: CLCN1 (chloride voltage-gated channel 1; plus strand). Cytogenetic location: 7q34.
Variant type: single nucleotide variant.
Coding change: c.2414G>A on transcript NM_000083.3 (MANE Select); coding-DNA position 2414, G replaced by A.
Protein change: p.Trp805Ter; replaces tryptophan 805 with a stop codon.
Molecular consequence: nonsense. On other transcripts: non-coding transcript variant (1).
Genome position (GRCh38, 1-based): chr7:143,350,382, G>A. VCF-style: chr7-143350382-G-A. GRCh37 (hg19) VCF-style: chr7-143047475-G-A.
Other names: short protein forms W805*.
Identifiers: ClinVar variation 4086230 (VCV004086230.1).